The following is an entry in ClinVar:

NM_000059.4(BRCA2):c.6722_6723del (p.Thr2241fs)

Gene: BRCA2 (BRCA2 DNA repair associated; plus strand). Cytogenetic location: 13q13.1.
Variant type: Deletion.
Coding change: c.6722_6723del on transcript NM_000059.4 (MANE Select); coding-DNA positions 6722 to 6723, 2 bases deleted (CA; older notation c.6722_6723delCA).
Protein change: p.Thr2241fs; shifts the reading frame from threonine 2241.
Molecular consequence: frameshift variant.
Genome position (GRCh38, 1-based): chr13:32,341,077-32,341,078, CA deleted; deleting any 2 consecutive bases within chr13:32,341,076-32,341,078 gives the same sequence; the c. name uses the placement nearest the transcript's 3' end. VCF-style (leftmost placement, unchanged base first): chr13-32341075-GAC-G. GRCh37 (hg19) VCF-style: chr13-32915212-GAC-G.
Other names: c.6722_6723delCA (NM_000059.3); short protein forms T2241fs.
Identifiers: ClinVar variation 5033252 (VCV005033252.1).

ClinVar aggregate classification (germline): Pathogenic (1 of 4 stars; one submission).

Conditions:
Hereditary cancer-predisposing syndrome. Also called: Neoplastic Syndromes, Hereditary; Tumor predisposition; Hereditary Cancer Syndrome; Hereditary neoplastic syndrome. Identifiers: Orphanet 140162, MedGen C0027672, MeSH D009386, MONDO:0015356.

Submission:

Ambry Genetics
Classification: Pathogenic for Hereditary cancer-predisposing syndrome. Last evaluated: 2026-06-29. Review status: criteria provided, single submitter. Criteria: Ambry Variant Classification Scheme 2023. Collection method: clinical testing. Allele origin: germline.
Comment: The c.6722_6723delCA pathogenic mutation, located in coding exon 10 of the BRCA2 gene, results from a deletion of two nucleotides at nucleotide positions 6722 to 6723, causing a translational frameshift with a predicted alternate stop codon (p.T2241Rfs*3). This variant is considered to be rare based on population cohorts in the Genome Aggregation Database (gnomAD). This alteration is expected to result in loss of function by premature protein truncation or nonsense-mediated mRNA decay. As such, this alteration is interpreted as a disease-causing mutation.